The following is an entry in ClinVar:

NM_000336.3(SCNN1B):c.1005C>T (p.Tyr335=)

Gene: SCNN1B (sodium channel epithelial 1 subunit beta; plus strand). Cytogenetic location: 16p12.2.
Variant type: single nucleotide variant.
Coding change: c.1005C>T on transcript NM_000336.3 (MANE Select); coding-DNA position 1005, C replaced by T.
Protein change: p.Tyr335=; no amino-acid change (tyrosine 335 retained).
Molecular consequence: synonymous variant.
Genome position (GRCh38, 1-based): chr16:23,371,423, C>T. VCF-style: chr16-23371423-C-T. GRCh37 (hg19) VCF-style: chr16-23382744-C-T.
Identifiers: ClinVar variation 887721 (VCV000887721.8), dbSNP rs13306633, ClinGen allele CA7960321.

ClinVar aggregate classification (germline): Conflicting classifications of pathogenicity. Review status: criteria provided, conflicting classifications (1 of 4 stars). 4 submissions from 2 submitters: Uncertain significance (1); Benign (2); Likely benign (1). Last evaluated 2022-08-22.

Conditions:
Bronchiectasis with or without elevated sweat chloride 1 (BESC1). Also called: Cystic Fibrosis-Like Syndrome. Identifiers: Orphanet 60033, MedGen C2749757, MONDO:0008887, OMIM 211400.
Pseudohypoaldosteronism, type IB1, autosomal recessive. Also called: Pseudohypoaldosteronism, Type I, Autosomal Recessive; PHA I, AUTOSOMAL RECESSIVE; Autosomal recessive pseudohypoaldosteronism type 1; Pseudohypoaldosteronism, Type I, Recessive. Identifiers: Orphanet 171876, Orphanet 756, MedGen C5774176, MONDO:0009917, OMIM 264350.
Liddle syndrome 1 (LIDLS1). Also called: PSEUDOALDOSTERONISM. Identifiers: Orphanet 526, MedGen CN031472, MONDO:0020607, OMIM 177200.

Allele frequency attached by ClinVar (database versions not stated): gnomAD 0.00006 and 0.00011; gnomAD exomes 0.00006 and 0.00012; ExAC 0.00007; TOPMed 0.00008; 1000 Genomes Project 30x 0.00047; 1000 Genomes Project 0.00060.
gnomAD v4.1: 192 of 1,614,134 alleles (0.012%); highest among the groups gnomAD compares: East Asian, 0.31%; no homozygotes.

Submissions (4):

Labcorp Genetics (formerly Invitae), Labcorp
Classification: Likely benign. Last evaluated: 2022-08-22. Review status: criteria provided, single submitter. Criteria: Invitae Variant Classification Sherloc (09022015). Collection method: clinical testing. Allele origin: germline.

Illumina Laboratory Services, Illumina
Classification: Uncertain significance for Pseudohypoaldosteronism, type IB1, autosomal recessive. Last evaluated: 2018-01-12. Review status: criteria provided, single submitter. Criteria: ICSL Variant Classification Criteria 13 December 2019. Collection method: clinical testing. Allele origin: germline.

Illumina Laboratory Services, Illumina
Classification: Benign for Liddle syndrome 1. Last evaluated: 2018-01-12. Review status: criteria provided, single submitter. Criteria: ICSL Variant Classification Criteria 13 December 2019. Collection method: clinical testing. Allele origin: germline.
Comment: This variant was observed in the ICSL laboratory as part of a predisposition screen in an ostensibly healthy population. It had not been previously curated by ICSL or reported in the Human Gene Mutation Database (HGMD: prior to June 1st, 2018), and was therefore a candidate for classification through an automated scoring system. Utilizing variant allele frequency, disease prevalence and penetrance estimates, and inheritance mode, an automated score was calculated to assess if this variant is too frequent to cause the disease. Based on the score and internal cut-off values, a variant classified as benign is not then subjected to further curation. The score for this variant resulted in a classification of benign for this disease.

Illumina Laboratory Services, Illumina
Classification: Benign for Bronchiectasis with or without elevated sweat chloride 1. Last evaluated: 2018-01-12. Review status: criteria provided, single submitter. Criteria: ICSL Variant Classification Criteria 13 December 2019. Collection method: clinical testing. Allele origin: germline.
Comment: the same text as in the submission from Illumina Laboratory Services, Illumina above.